The following is an entry in ClinVar:

ClinVar aggregate classification (germline): Uncertain significance (1 of 4 stars; one submission).

Submission:

Labcorp Genetics (formerly Invitae), Labcorp
Classification: Uncertain significance. Last evaluated: 2025-01-06. Review status: criteria provided, single submitter. Criteria: Invitae Variant Classification Sherloc (09022015). Collection method: clinical testing. Allele origin: germline.
Comment: This sequence change replaces threonine, which is neutral and polar, with asparagine, which is neutral and polar, at codon 395 of the PTDSS1 protein (p.Thr395Asn). This variant is not present in population databases (gnomAD no frequency). This variant has not been reported in the literature in individuals affected with PTDSS1-related conditions. Invitae Evidence Modeling of protein sequence and biophysical properties (such as structural, functional, and spatial information, amino acid conservation, physicochemical variation, residue mobility, and thermodynamic stability) indicates that this missense variant is not expected to disrupt PTDSS1 protein function with a negative predictive value of 80%. In summary, the available evidence is currently insufficient to determine the role of this variant in disease. Therefore, it has been classified as a Variant of Uncertain Significance.

NM_014754.3(PTDSS1):c.1184C>A (p.Thr395Asn)

Gene: PTDSS1 (phosphatidylserine synthase 1; plus strand). Cytogenetic location: 8q22.1.
Variant type: single nucleotide variant.
Coding change: c.1184C>A on transcript NM_014754.3 (MANE Select); coding-DNA position 1184, C replaced by A.
Protein change: p.Thr395Asn; replaces threonine 395 with asparagine.
Molecular consequence: missense variant.
Genome position (GRCh38, 1-based): chr8:96,330,223, C>A. VCF-style: chr8-96330223-C-A. GRCh37 (hg19) VCF-style: chr8-97342451-C-A.
Other names: c.746C>A, p.Thr249Asn (NM_001290225.2); short protein forms T249N, T395N.
Identifiers: ClinVar variation 3720883 (VCV003720883.2).
Genomic context (GRCh38, chr8:96,330,223, plus strand): 5'-TCTGGGAAATTGAACTTTTTTGTGCAGCATCATTTGTTTTTCTCTTCCAGGCTTTCACCA[C>A]TTTCCTCTGTCTGTACGGCATGATTTGGTATGCAGAACACTATGGTCACCGAGAAAAGGT-3'
Protein context (NP_055569.1, residues 385-405): VLWLLCVAFT[Thr395Asn]FLCLYGMIWY